The following is an entry in ClinVar:

NM_001024630.4(RUNX2):c.775G>A (p.Val259Ile)

Gene: RUNX2 (RUNX family transcription factor 2; plus strand). Cytogenetic location: 6p21.1.
Variant type: single nucleotide variant.
Coding change: c.775G>A on transcript NM_001024630.4 (MANE Select); coding-DNA position 775, G replaced by A.
Protein change: p.Val259Ile; replaces valine 259 with isoleucine.
Molecular consequence: missense variant.
Genome position (GRCh38, 1-based): chr6:45,492,030, G>A. VCF-style: chr6-45492030-G-A. GRCh37 (hg19) VCF-style: chr6-45459767-G-A.
Other names: c.775G>A, p.Val259Ile (NM_001015051.4); c.733G>A, p.Val245Ile (NM_001278478.2, NM_001369405.1, NM_004348.3); short protein forms V259I, V245I.
Identifiers: ClinVar variation 2895935 (VCV002895935.3), dbSNP rs1466738996, ClinGen allele CA363958274.

ClinVar aggregate classification (germline): Uncertain significance (1 of 4 stars; one submission).

Allele frequency attached by ClinVar (database versions not stated): gnomAD 0.00002; gnomAD exomes 0.00003.
gnomAD v4.1: 46 of 1,613,876 alleles (0.0029%); highest among the groups gnomAD compares: Non-Finnish European, 0.0035%; no homozygotes.

Submission:

Labcorp Genetics (formerly Invitae), Labcorp
Classification: Uncertain significance. Last evaluated: 2023-12-31. Review status: criteria provided, single submitter. Criteria: Invitae Variant Classification Sherloc (09022015). Collection method: clinical testing. Allele origin: germline.
Comment: This sequence change replaces valine, which is neutral and non-polar, with isoleucine, which is neutral and non-polar, at codon 259 of the RUNX2 protein (p.Val259Ile). This variant is present in population databases (no rsID available, gnomAD 0.004%). This variant has not been reported in the literature in individuals affected with RUNX2-related conditions. Advanced modeling of protein sequence and biophysical properties (such as structural, functional, and spatial information, amino acid conservation, physicochemical variation, residue mobility, and thermodynamic stability) performed at Invitae indicates that this missense variant is not expected to disrupt RUNX2 protein function with a negative predictive value of 80%. In summary, the available evidence is currently insufficient to determine the role of this variant in disease. Therefore, it has been classified as a Variant of Uncertain Significance.